The following is an entry in ClinVar:

NM_177438.3(DICER1):c.4832A>C (p.Asn1611Thr)

Gene: DICER1 (dicer 1, ribonuclease III; minus strand). Cytogenetic location: 14q32.13.
Variant type: single nucleotide variant.
Coding change: c.4832A>C on transcript NM_177438.3 (MANE Select); coding-DNA position 4832, A replaced by C.
Protein change: p.Asn1611Thr; replaces asparagine 1611 with threonine.
Molecular consequence: missense variant.
Genome position (GRCh38, 1-based): chr14:95,096,088, T>G on the plus strand (A>C on the coding strand, the complement: DICER1 is on the minus strand). VCF-style: chr14-95096088-T-G. GRCh37 (hg19) VCF-style: chr14-95562425-T-G.
Other names: c.4832A>C, p.Asn1611Thr (NM_001195573.1, NM_001271282.3, NM_001291628.2 and 1 more transcripts); short protein forms N1611T.
Identifiers: ClinVar variation 565571 (VCV000565571.14), dbSNP rs763472931, ClinGen allele CA7330789.
Genomic context (GRCh38, chr14:95,096,088, plus strand): 5'-GAGCGTGAACTGGCCACAGAAGCAGCAGCACAGCTCACTGAAAGGTTCTTTTGTTGGCTG[T>G]TGAAATTCTCCCGAGTAGGGCACAGGGCCTTTTCCCGATCAGTCCTTTTAATTACCGGGA-3'
Protein context (NP_803187.1, residues 1601-1621): KALCPTRENF[Asn1611Thr]SQQKNLSVSC

ClinVar aggregate classification (germline): Uncertain significance. Review status: criteria provided, multiple submitters, no conflicts (2 of 4 stars). 2 submissions from 2 submitters: Uncertain significance (2). Last evaluated 2026-02-02.

Conditions:
Hereditary cancer-predisposing syndrome. Also called: Neoplastic Syndromes, Hereditary; Tumor predisposition; Hereditary Cancer Syndrome; Hereditary neoplastic syndrome. Identifiers: Orphanet 140162, MedGen C0027672, MeSH D009386, MONDO:0015356.
DICER1-related tumor predisposition. Also called: DICER1-related pleuropulmonary blastoma cancer predisposition syndrome; DICER1 syndrome. Identifiers: Orphanet 284343, MedGen C3839822, MONDO:0100216.

Allele frequency attached by ClinVar (database versions not stated): gnomAD 0.00001; TOPMed 0.00001.
gnomAD v4.1: 10 of 1,614,110 alleles (0.00062%); highest among the groups gnomAD compares: African/African-American, 0.0027%; no homozygotes.

Submissions (2):

Labcorp Genetics (formerly Invitae), Labcorp
Classification: Uncertain significance for DICER1-related tumor predisposition. Last evaluated: 2026-02-02. Review status: criteria provided, single submitter. Criteria: Invitae Variant Classification Sherloc (09022015). Collection method: clinical testing. Allele origin: germline.
Comment: This sequence change replaces asparagine, which is neutral and polar, with threonine, which is neutral and polar, at codon 1611 of the DICER1 protein (p.Asn1611Thr). This variant is present in population databases (rs763472931, gnomAD 0.007%). This variant has not been reported in the literature in individuals affected with DICER1-related conditions. ClinVar contains an entry for this variant (Variation ID: 565571). Invitae Evidence Modeling of protein sequence and biophysical properties (such as structural, functional, and spatial information, amino acid conservation, physicochemical variation, residue mobility, and thermodynamic stability) indicates that this missense variant is not expected to disrupt DICER1 protein function with a negative predictive value of 95%. In summary, the available evidence is currently insufficient to determine the role of this variant in disease. Therefore, it has been classified as a Variant of Uncertain Significance.

Ambry Genetics
Classification: Uncertain significance for Hereditary cancer-predisposing syndrome. Last evaluated: 2024-05-21. Review status: criteria provided, single submitter. Criteria: Ambry Variant Classification Scheme 2023. Collection method: clinical testing. Allele origin: germline.
Comment: The p.N1611T variant (also known as c.4832A>C), located in coding exon 22 of the DICER1 gene, results from an A to C substitution at nucleotide position 4832. The asparagine at codon 1611 is replaced by threonine, an amino acid with similar properties. This amino acid position is not well conserved in available vertebrate species. In addition, this alteration is predicted to be tolerated by in silico analysis. Since supporting evidence is limited at this time, the clinical significance of this alteration remains unclear.